The following is an entry in ClinVar:

ClinVar aggregate classification (germline): Uncertain significance (1 of 4 stars; one submission).

Conditions:
Long QT syndrome (LQTS). Identifiers: MedGen C0023976, MeSH D008133, MONDO:0002442. Disease mechanism: loss of function. Inheritance: Various modes of inheritance.

Submission:

All of Us Research Program, National Institutes of Health
Classification: Uncertain significance for Long QT syndrome. Last evaluated: 2024-02-22. Review status: criteria provided, single submitter. Criteria: ACMG Guidelines, 2015. Collection method: clinical testing. Allele origin: germline. Inheritance: Autosomal dominant inheritance. Observed: 1 variant allele, 1 heterozygote.
Comment: This missense variant replaces lysine with asparagine at codon 886 of the KCNH2 protein. Computational prediction suggests that this variant may not impact protein structure and function (internally defined REVEL score threshold <= 0.5, PMID: 27666373). To our knowledge, functional studies have not been reported for this variant. This variant has not been reported in individuals affected with KCNH2-related disorders in the literature. This variant has not been identified in the general population by the Genome Aggregation Database (gnomAD). The available evidence is insufficient to determine the role of this variant in disease conclusively. Therefore, this variant is classified as a Variant of Uncertain Significance.

This study involves interpretation of variants in research participants for the purpose of population health screening. Participant phenotype was not available at the time of variant classification. Additional details can be found in publication PMID: 35346344, PMCID: PMC8962531

NM_000238.4(KCNH2):c.2658G>T (p.Lys886Asn)

Gene: KCNH2 (potassium voltage-gated channel subfamily H member 2; minus strand). Cytogenetic location: 7q36.1.
Variant type: single nucleotide variant.
Coding change: c.2658G>T on transcript NM_000238.4 (MANE Select); coding-DNA position 2658, G replaced by T.
Protein change: p.Lys886Asn; replaces lysine 886 with asparagine.
Molecular consequence: missense variant. On other transcripts: non-coding transcript variant (2).
Genome position (GRCh38, 1-based): chr7:150,948,478, C>A on the plus strand (G>T on the coding strand, the complement: KCNH2 is on the minus strand). VCF-style: chr7-150948478-C-A. GRCh37 (hg19) VCF-style: chr7-150645566-C-A.
Other names: c.2370G>T, p.Lys790Asn (NM_001406753.1); c.1638G>T, p.Lys546Asn (NM_172057.3); short protein forms K546N, K790N, K886N.
Identifiers: ClinVar variation 3386888 (VCV003386888.1).
Genomic context (GRCh38, chr7:150,948,478, plus strand): 5'-CCCCTTCCTCCCCTCCCCCGCCTCACCCTTGTCCGTGCGCCTGCGGAAGGACAACTTGCG[C>A]TTGCGTTGCCGACTGAAGCCACCCTCTAACTCCGTACTGCCGGGGGAGCCCGGGATCATG-3'
Protein context (NP_000229.1, residues 876-896): ELEGGFSRQR[Lys886Asn]RKLSFRRRTD